The following is an entry in ClinVar:

ClinVar aggregate classification (germline): Benign/Likely benign. Review status: criteria provided, multiple submitters, no conflicts (2 of 4 stars). 4 submissions from 4 submitters: Benign (1); Likely benign (3). Last evaluated 2026-01-24.

Conditions:
Hereditary cancer-predisposing syndrome. Also called: Tumor predisposition; Hereditary neoplastic syndrome; Hereditary Cancer Syndrome; Neoplastic Syndromes, Hereditary. Identifiers: Orphanet 140162, MedGen C0027672, MeSH D009386, MONDO:0015356.
Mitochondrial complex II deficiency, nuclear type 1. Also called: SUCCINATE CoQ REDUCTASE DEFICIENCY. Identifiers: Orphanet 3208, MedGen C5700310, MONDO:0100294, OMIM 252011.
Pheochromocytoma/paraganglioma syndrome 5. Also called: Paragangliomas 5; SDHA-Related Hereditary Paraganglioma-Pheochromocytoma Syndrome. Identifiers: Orphanet 29072, MedGen C3279992, MONDO:0013602, OMIM 614165.

Allele frequency attached by ClinVar (database versions not stated): gnomAD exomes 0.00001 and 0.00002; ExAC 0.00002.

Submissions (4):

Labcorp Genetics (formerly Invitae), Labcorp
Classification: Likely benign for Pheochromocytoma/paraganglioma syndrome 5; Mitochondrial complex II deficiency, nuclear type 1. Last evaluated: 2026-01-24. Review status: criteria provided, single submitter. Criteria: Invitae Variant Classification Sherloc (09022015). Collection method: clinical testing. Allele origin: germline.

Myriad Genetics, Inc.
Classification: Benign for Pheochromocytoma/paraganglioma syndrome 5. Last evaluated: 2025-03-03. Review status: criteria provided, single submitter. Criteria: Myriad Autosomal Dominant, Autosomal Recessive and X-Linked Classification Criteria (2023). Collection method: clinical testing. Allele origin: unknown.
Comment: This variant is considered benign. This variant is a silent/synonymous amino acid change and it is not expected to impact splicing.

CeGaT Center for Human Genetics Tuebingen
Classification: Likely benign. Last evaluated: 2025-02-01. Review status: criteria provided, single submitter. Criteria: CeGaT Center For Human Genetics Tuebingen Variant Classification Criteria Version 2. Collection method: clinical testing. Allele origin: germline. Affected: yes. Observed: 1 variant allele.
Comment: SDHA: BP4, BP7

Ambry Genetics
Classification: Likely benign for Hereditary cancer-predisposing syndrome. Last evaluated: 2017-01-30. Review status: criteria provided, single submitter. Criteria: Ambry Variant Classification Scheme 2023. Collection method: clinical testing. Allele origin: germline.

NM_004168.4(SDHA):c.598C>T (p.Leu200=)

Gene: SDHA (succinate dehydrogenase complex flavoprotein subunit A; plus strand). Cytogenetic location: 5p15.33.
Variant type: single nucleotide variant.
Coding change: c.598C>T on transcript NM_004168.4 (MANE Select); coding-DNA position 598, C replaced by T.
Protein change: p.Leu200=; no amino-acid change (leucine 200 retained).
Molecular consequence: synonymous variant.
Genome position (GRCh38, 1-based): chr5:226,024, C>T. VCF-style: chr5-226024-C-T. GRCh37 (hg19) VCF-style: chr5-226139-C-T.
Other names: c.454C>T, p.Leu152= (NM_001294332.2); c.598C>T, p.Leu200= (NM_001330758.2).
Identifiers: ClinVar variation 417260 (VCV000417260.29), dbSNP rs764307917, ClinGen allele CA3172887.
Genomic context (GRCh38, chr5:226,024, plus strand): 5'-TTTGGAAAGGGCGGGCAGGCCCATCGGTGCTGCTGTGTGGCTGATCGGACTGGCCACTCG[C>T]TATTGCACACCTTATATGGAAGGGTAAGGCCGCCCCCGTCCACCTGAGACAGGACACGTA-3'
Protein context (NP_004159.2, residues 190-210): CCVADRTGHS[Leu200=]LHTLYGRSLR